The following is an entry in ClinVar:

NM_019098.5(CNGB3):c.806T>C (p.Leu269Pro)

Gene: CNGB3 (cyclic nucleotide gated channel subunit beta 3; minus strand). Cytogenetic location: 8q21.3.
Variant type: single nucleotide variant.
Coding change: c.806T>C on transcript NM_019098.5 (MANE Select); coding-DNA position 806, T replaced by C.
Protein change: p.Leu269Pro; replaces leucine 269 with proline.
Molecular consequence: missense variant.
Genome position (GRCh38, 1-based): chr8:86,666,971, A>G on the plus strand (T>C on the coding strand, the complement: CNGB3 is on the minus strand). VCF-style: chr8-86666971-A-G. GRCh37 (hg19) VCF-style: chr8-87679199-A-G.
Other names: short protein forms L269P.
Identifiers: ClinVar variation 427673 (VCV000427673.16), dbSNP rs1189928623, ClinGen allele CA371449337.

ClinVar aggregate classification (germline): Conflicting classifications of pathogenicity. Review status: criteria provided, conflicting classifications (1 of 4 stars). 8 submissions from 8 submitters: Likely pathogenic (6); Uncertain significance (1). 1 of the submissions does not count toward it. Last evaluated 2026-04-02.

Conditions:
CNGB3-related disorder. Also called: CNGB3-related condition; CNGB3-related disorders. Identifiers: MedGen CN239340.
Achromatopsia. Also called: Rod monochromatism. Identifiers: Orphanet 49382, MedGen C0152200, MONDO:0018852, HP:0011516.
Achromatopsia 3 (ACHM3). Also called: ACHROMATOPSIA WITH MYOPIA; PINGELAPESE BLINDNESS; TOTAL COLORBLINDNESS WITH MYOPIA; ROD MONOCHROMACY 1; ROD MONOCHROMATISM 1. Identifiers: Orphanet 49382, MedGen C1849792, MONDO:0009875, OMIM 262300.

Allele frequency attached by ClinVar (database versions not stated): gnomAD exomes below 0.00001; TOPMed below 0.00001.
gnomAD v4.1: 3 of 1,613,460 alleles (0.00019%); highest among the groups gnomAD compares: South Asian, 0.0022%; no homozygotes.

Submissions (8):

Myriad Genetics, Inc.
Classification: Likely pathogenic for Achromatopsia 3. Last evaluated: 2026-04-02. Review status: criteria provided, single submitter. Criteria: Myriad Autosomal Dominant, Autosomal Recessive and X-Linked Classification Criteria (2023). Collection method: clinical testing. Allele origin: unknown.
Comment: NM_019098.4(CNGB3):c.806T>C(L269P) is a missense variant classified as likely pathogenic in the context of achromatopsia, CNGB3-related. L269P has been observed in cases with relevant disease (PMID: 28795510, 31848469, 38465142). Relevant functional assessments of this variant are not available in the literature. L269P has not been observed in referenced population frequency databases. In summary, NM_019098.4(CNGB3):c.806T>C(L269P) is a missense variant that has been observed more frequently in cases with the relevant disease than in healthy populations. Please note: this variant was assessed in the context of healthy population screening.

Natera, Inc.
Classification: Likely pathogenic for Achromatopsia. Last evaluated: 2025-06-06. Review status: criteria provided, single submitter. Criteria: Natera Variant Classification Schema (03/2026). Collection method: clinical testing. Allele origin: germline.
Comment: The c.806T>C variant in CNGB3 is a missense variant predicted to cause substitution of leucine to proline at amino acid 269. This variant is rare in the general population with a frequency below the threshold expected for the associated phenotype(s). This variant has been observed in one or more individuals affected with the associated recessive disease, as either homozygous or compound heterozygous with a second variant (PMID: 38465142, 28795510). This variant has been identified in one or more affected individual with a phenotype highly consistent with the associated gene (PMID: 38465142, 28795510). Computational prediction algorithms indicate this variant is likely to affect gene or protein function. Given the available evidence, this variant is classified as Likely Pathogenic.

Women's Health and Genetics/Laboratory Corporation of America, LabCorp
Classification: Uncertain significance. Last evaluated: 2025-03-19. Review status: criteria provided, single submitter. Criteria: LabCorp Variant Classification Summary - May 2015. Collection method: clinical testing. Allele origin: germline.
Comment: Variant summary: CNGB3 c.806T>C (p.Leu269Pro) results in a non-conservative amino acid change in the encoded protein sequence. Five of five in-silico tools predict a damaging effect of the variant on protein function. The variant was absent in 251408 control chromosomes. c.806T>C has been reported in the literature in individuals affected with Achromatopsia (examples: Sahin_2024, Mayer_2017). These data indicate that the variant may be associated with disease. To our knowledge, no experimental evidence demonstrating an impact on protein function has been reported. The following publications have been ascertained in the context of this evaluation (PMID: 28795510, 38465142). ClinVar contains an entry for this variant (Variation ID: 427673). Based on the evidence outlined above, the variant was classified as VUS-possibly pathogenic.

Genomic Medicine Center of Excellence, King Faisal Specialist Hospital and Research Centre
Classification: Likely pathogenic for Achromatopsia 3. Last evaluated: 2024-12-19. Review status: criteria provided, single submitter. Criteria: ACMG Guidelines, 2015. Collection method: clinical testing. Allele origin: germline.

3billion
Classification: Likely pathogenic for Achromatopsia 3. Last evaluated: 2023-10-05. Review status: criteria provided, single submitter. Criteria: ACMG Guidelines, 2015. Collection method: clinical testing. Allele origin: germline. Affected: yes.
Comment: The variant is not observed in the gnomAD v2.1.1 dataset. Predicted Consequence/Location: The majority of the known disease-causing variants of this gene are variants expected to result in premature termination of the protein. Premature termination of the protein is a common disease-causing mechanism for this gene. In silico tool predictions suggest damaging effect of the variant on gene or gene product [REVEL: 0.75 (>=0.6, sensitivity 0.68 and specificity 0.92); 3Cnet: 0.91 (>=0.6, sensitivity 0.72 and precision 0.9)]. Same nucleotide change resulting in same amino acid change has been previously reported as pathogenic/likely pathogenic with strong evidence (ClinVar ID: VCV000427673 /PMID: 28795510).The variant has been reported to be in trans with a pathogenic variant as either compound heterozygous or homozygous in at least one similarly affected unrelated individual (PMID: 28795510). Therefore, this variant is classified as Likely pathogenic according to the recommendation of ACMG/AMP guideline.

Labcorp Genetics (formerly Invitae), Labcorp
Classification: Likely pathogenic. Last evaluated: 2023-09-21. Review status: criteria provided, single submitter. Criteria: Invitae Variant Classification Sherloc (09022015). Collection method: clinical testing. Allele origin: germline.
Comment: This sequence change replaces leucine, which is neutral and non-polar, with proline, which is neutral and non-polar, at codon 269 of the CNGB3 protein (p.Leu269Pro). This variant is not present in population databases (gnomAD no frequency). This missense change has been observed in individual(s) with achromatopsia (PMID: 28795510). In at least one individual the data is consistent with being in trans (on the opposite chromosome) from a pathogenic variant. ClinVar contains an entry for this variant (Variation ID: 427673). Advanced modeling of protein sequence and biophysical properties (such as structural, functional, and spatial information, amino acid conservation, physicochemical variation, residue mobility, and thermodynamic stability) performed at Invitae indicates that this missense variant is expected to disrupt CNGB3 protein function. In summary, the currently available evidence indicates that the variant is pathogenic, but additional data are needed to prove that conclusively. Therefore, this variant has been classified as Likely Pathogenic.

Blueprint Genetics
Classification: Likely pathogenic for CNGB3-related disorders. Last evaluated: 2023-03-24. Review status: criteria provided, single submitter. Criteria: ACMG Guidelines, 2015. Collection method: clinical testing. Allele origin: germline. Affected: yes. Observed: 3 variant alleles.

Molecular Genetics Laboratory, Institute for Ophthalmic Research
Classification: Likely pathogenic for ACHM3. Last evaluated: 2017-03-27. Review status: no assertion criteria provided. Collection method: research. Allele origin: germline. Affected: yes. Not counted in ClinVar's aggregate classification.

Literature cited by the submitters: PubMed 28795510 (cited by 6 submitters); PubMed 31848469 (cited by Myriad Genetics, Inc.); PubMed 38465142 (cited by 3 submitters).